The following is an entry in ClinVar:

NM_001329943.3(KIAA0586):c.2634+4A>G

Gene: KIAA0586 (KIAA0586; plus strand). Cytogenetic location: 14q23.1.
Variant type: single nucleotide variant.
Coding change: c.2634+4A>G on transcript NM_001329943.3 (MANE Select); 4 bases into the intron after coding-DNA position 2634, A replaced by G.
Molecular consequence: intron variant.
Genome position (GRCh38, 1-based): chr14:58,472,283, A>G. VCF-style: chr14-58472283-A-G. GRCh37 (hg19) VCF-style: chr14-58939001-A-G.
Other names: c.2793+4A>G (NM_001244189.2); c.2589+4A>G (NM_001244190.2); c.2502+4A>G (NM_001244192.2); c.2379+4A>G (NM_001244191.2, NM_001364701.2, NM_001329945.2 and 1 more transcripts); c.2634+4A>G (NM_001329944.2, NM_001329946.2, NM_001329947.2); c.2406+4A>G (NM_014749.5); c.2214+4A>G (NM_001244193.2).
Identifiers: ClinVar variation 1413242 (VCV001413242.6), dbSNP rs1373493143, ClinGen allele CA614353314.
Genomic context (GRCh38, chr14:58,472,283, plus strand): 5'-GAAGAAGAGGTGAAGTTTCCAGGAACTAACTTTGATGAAATAATCGATGTCATACAGGTA[A>G]CAAAGCTTAGAAACCATGAGAAATTATTTTTCTACCGGTATTTTTCCAGGTTGTTGACTA-3'

ClinVar aggregate classification (germline): Uncertain significance (1 of 4 stars; one submission).

Conditions:
Joubert syndrome 23 (JBTS23). Identifiers: Orphanet 475, MedGen C4084822, MONDO:0014664, OMIM 616490.
Short-rib thoracic dysplasia 14 with polydactyly (SRTD14). Identifiers: Orphanet 397715, MedGen C4225286, MONDO:0014688, OMIM 616546.

Allele frequency attached by ClinVar (database versions not stated): gnomAD 0.00002.

Submission:

Labcorp Genetics (formerly Invitae), Labcorp
Classification: Uncertain significance for Joubert syndrome 23; Short-rib thoracic dysplasia 14 with polydactyly. Last evaluated: 2021-11-21. Review status: criteria provided, single submitter. Criteria: Invitae Variant Classification Sherloc (09022015). Collection method: clinical testing. Allele origin: germline.
Comment: In summary, the available evidence is currently insufficient to determine the role of this variant in disease. Therefore, it has been classified as a Variant of Uncertain Significance. Variants that disrupt the consensus splice site are a relatively common cause of aberrant splicing (PMID: 17576681, 9536098). Algorithms developed to predict the effect of sequence changes on RNA splicing suggest that this variant may disrupt the consensus splice site. This variant has not been reported in the literature in individuals affected with KIAA0586-related conditions. This variant is not present in population databases (gnomAD no frequency). This sequence change falls in intron 20 of the KIAA0586 gene. It does not directly change the encoded amino acid sequence of the KIAA0586 protein. It affects a nucleotide within the consensus splice site.

Literature cited by the submitters: PubMed 17576681; PubMed 9536098.